The following is an entry in ClinVar:

NM_014140.4(SMARCAL1):c.1987G>T (p.Val663Leu)

Gene: SMARCAL1 (SNF2 related chromatin remodeling annealing helicase 1; plus strand). Cytogenetic location: 2q35.
Variant type: single nucleotide variant.
Coding change: c.1987G>T on transcript NM_014140.4 (MANE Select); coding-DNA position 1987, G replaced by T.
Protein change: p.Val663Leu; replaces valine 663 with leucine.
Molecular consequence: missense variant.
Genome position (GRCh38, 1-based): chr2:216,450,981, G>T. VCF-style: chr2-216450981-G-T. GRCh37 (hg19) VCF-style: chr2-217315704-G-T.
Other names: c.1987G>T, p.Val663Leu (NM_001127207.2); short protein forms V663L.
Identifiers: ClinVar variation 1953853 (VCV001953853.5), dbSNP rs1694438371, ClinGen allele CA350502171.

ClinVar aggregate classification (germline): Uncertain significance (1 of 4 stars; one submission).

Conditions:
Schimke immuno-osseous dysplasia (SIOD). Also called: Schimke Immunoosseous Dysplasia. Identifiers: Orphanet 1830, MedGen C0877024, MONDO:0009458, OMIM 242900.

Submission:

Labcorp Genetics (formerly Invitae), Labcorp
Classification: Uncertain significance for Schimke immuno-osseous dysplasia. Last evaluated: 2022-05-04. Review status: criteria provided, single submitter. Criteria: Invitae Variant Classification Sherloc (09022015). Collection method: clinical testing. Allele origin: germline.
Comment: In summary, the available evidence is currently insufficient to determine the role of this variant in disease. Therefore, it has been classified as a Variant of Uncertain Significance. Algorithms developed to predict the effect of missense changes on protein structure and function output the following: SIFT: "Tolerated"; PolyPhen-2: "Benign"; Align-GVGD: "Class C0". The leucine amino acid residue is found in multiple mammalian species, which suggests that this missense change does not adversely affect protein function. This variant has not been reported in the literature in individuals affected with SMARCAL1-related conditions. This variant is not present in population databases (gnomAD no frequency). This sequence change replaces valine, which is neutral and non-polar, with leucine, which is neutral and non-polar, at codon 663 of the SMARCAL1 protein (p.Val663Leu).